The following is an entry in ClinVar:

NM_019616.4(F7):c.350G>A (p.Arg117Gln)

Gene: F7 (coagulation factor VII; plus strand). Cytogenetic location: 13q34.
Variant type: single nucleotide variant.
Coding change: c.350G>A on transcript NM_019616.4 (MANE Select); coding-DNA position 350, G replaced by A.
Protein change: p.Arg117Gln; replaces arginine 117 with glutamine.
Molecular consequence: missense variant. On other transcripts: non-coding transcript variant (1).
Genome position (GRCh38, 1-based): chr13:113,113,946, G>A. VCF-style: chr13-113113946-G-A. GRCh37 (hg19) VCF-style: chr13-113768260-G-A.
Other names: p.Arg139Gln; c.416G>A, p.Arg139Gln (NM_000131.5); c.164G>A, p.Arg55Gln (NM_001267554.2); short protein forms R117Q, R139Q, R55Q.
Identifiers: ClinVar variation 3237208 (VCV003237208.13), dbSNP rs150525536.

ClinVar aggregate classification (germline): Conflicting classifications of pathogenicity. Review status: criteria provided, conflicting classifications (1 of 4 stars). 7 submissions from 7 submitters: Likely pathogenic (5); Uncertain significance (2). Last evaluated 2026-08-13.

Conditions:
Congenital factor VII deficiency. Identifiers: Orphanet 327, MedGen C0272320, MONDO:0009211, OMIM 227500.
F7-related disorder. Also called: F7-related condition.

Allele frequency attached by ClinVar (database versions not stated): gnomAD exomes 0.00027; ExAC 0.00059; gnomAD 0.00138; TOPMed 0.00146; ESP Exome Variant Server 0.00154; 1000 Genomes Project 30x 0.00328; 1000 Genomes Project 0.00359.
gnomAD v4.1: 618 of 1,614,018 alleles (0.038%); highest among the groups gnomAD compares: African/African-American, 0.46%; 5 homozygotes.

Submissions (7):

PreventionGenetics, part of Exact Sciences
Classification: Likely pathogenic for F7-related condition. Last evaluated: 2026-08-13. Review status: criteria provided, single submitter. Criteria: ACMG Guidelines, 2015. Collection method: clinical testing. Allele origin: germline.
Comment: The F7 c.416G>A variant is predicted to result in the amino acid substitution p.Arg139Gln. This variant is reported in the homozygous state only in patients reported to be affected with factor VII deficiency. For example, the c.416G>A (p.Arg139Gln) variant was reported in a patient with "severe" factor VII deficiency who is homozygous for p.Arg139Gln (aka p. Arg79Gln) and for another variant in F7, p.Arg212Gln (aka p.Arg152Gln) (Chaing et al. 1994. PubMed ID: 8204879). Both variants show functional deficiencies in biochemical studies so it is unclear if one or both variants are a cause of disease in the patient in this study. Additional functional studies of p.Arg139Gln suggest it causes reduced binding to tissue factor, reduced clotting ability and slower activation, and may cause a milder phenotype (Chaing et al. 1994. PubMed ID: 8204879; Sridhara et al. 1996. PubMed ID: 8892729; O'Brien et al. 1994. PubMed ID: 7947828; Takamiya et al. 1993. PubMed ID: 8242057). Together, the data suggest this variant is likely to cause disease when present in the homozygous or compound heterozygous state.

GeneDx
Classification: Likely pathogenic. Last evaluated: 2026-02-11. Review status: criteria provided, single submitter. Criteria: GeneDx Variant Classification Process June 2021. Collection method: clinical testing. Allele origin: germline. Affected: yes.
Comment: Reported in the apparent homozygous state in a patient with severe FVII deficiency (FVII activity <1%) and another patient with FVII activity of 5%; however, both individuals harbored a second apparently homozygous F7 variant and it is unclear if one or both variants were contributing to disease (PMID: 8204879, 37521340); In silico analysis suggests that this missense variant does not alter protein structure/function; Also known as p.(R79Q), FVII Shinjo, FVII Tondabayashi; This variant is associated with the following publications: (PMID: 24711753, 7947828, 1489892, 22995991, 26105150, 32333443, 8204879, 8892729, Girolami[review]2012, 36719811, 8242057, 9732992, 30797223, 37647632, 7607584, 24805822, 17200783, 9657438, 37521340)

Genomic Medicine Center of Excellence, King Faisal Specialist Hospital and Research Centre
Classification: Likely pathogenic for Congenital factor VII deficiency. Last evaluated: 2025-09-10. Review status: criteria provided, single submitter. Criteria: ACMG Guidelines, 2015. Collection method: clinical testing. Allele origin: germline.

Dasa
Classification: Likely pathogenic. Last evaluated: 2025-05-26. Review status: criteria provided, single submitter. Criteria: DASA Assertion Criteria. Collection method: clinical testing. Allele origin: germline.
Comment: NM_019616.4(F7):c.350G>A (p.Arg117Gln) is a missense variant that results in the substitution of arginine with glutamine. Segregation data support an association with disease in the reported family/families (PMID: 8204879; PMID: 8242057; PMID: 37521340). This variant has been recurrently observed in individuals with F7-related disorders (PMID: 8204879; PMID: 8242057; PMID: 37521340). Functional evidence supports an impact on the gene or gene product (PMID: 8204879; PMID: 8242057; PMID: 37521340; PMID: 7607584; PMID: 24711753). Also, this variant is rare in population databases. Based on the currently available evidence, this variant is classified as likely pathogenic.

Women's Health and Genetics/Laboratory Corporation of America, LabCorp
Classification: Uncertain significance. Last evaluated: 2025-04-17. Review status: criteria provided, single submitter. Criteria: LabCorp Variant Classification Summary - May 2015. Collection method: clinical testing. Allele origin: germline.
Comment: Variant summary: F7 c.416G>A (p.Arg139Gln) results in a conservative amino acid change in the encoded protein sequence. Three of five in-silico tools predict a benign effect of the variant on protein function. The variant allele was found at a frequency of 0.00047 in 251276 control chromosomes, predominantly at a frequency of 0.005 within the African or African-American subpopulation in the gnomAD database. The observed variant frequency within African or African-American control individuals in the gnomAD database exceeds the estimated maximal expected allele frequency for a pathogenic variant in F7 causing Congenital factor VII deficiency phenotype. c.416G>A, also known as FVII Tondabayashi or FVII Shindo, has been observed in 2 related homozygous individuals affected with Congenital factor VII deficiency (Takamiya_1995) segregating with disease, and two additional affected individuals who were also homozygous for a second F7 variant (Chaing_1994, Alesci_2023). These data indicate that the variant may be associated with disease. At least one publication reports experimental evidence evaluating an impact on protein function. The most pronounced variant effect results in a mild reduction in clotting activity (Chaing_1994). The following publications have been ascertained in the context of this evaluation (PMID: 37521340, 8204879, 7947828, 8892729, 9732992, 7607584). ClinVar contains an entry for this variant (Variation ID: 3237208). Based on the evidence outlined above, the variant was classified as VUS-possibly benign.

Mayo Clinic Laboratories, Mayo Clinic
Classification: Likely pathogenic. Last evaluated: 2024-11-14. Review status: criteria provided, single submitter. Criteria: ACMG Guidelines, 2015. Collection method: clinical testing. Allele origin: germline. Observed: 7 variant alleles.
Comment: PP1, PM3_supporting, PS3

Blueprint Genetics
Classification: Uncertain significance. Last evaluated: 2024-11-01. Review status: criteria provided, single submitter. Criteria: ACMG Guidelines, 2015. Collection method: clinical testing. Allele origin: germline.

Literature cited by the submitters: PubMed 8204879 (cited by 3 submitters); PubMed 8242057 (cited by Dasa); PubMed 37521340 (cited by Dasa and Women's Health and Genetics/Laboratory Corporation of America, LabCorp); PubMed 7607584 (cited by 3 submitters); PubMed 24711753 (cited by Dasa and Mayo Clinic Laboratories, Mayo Clinic); PubMed 1489892 (cited by Dasa); PubMed 7947828 (cited by Women's Health and Genetics/Laboratory Corporation of America, LabCorp and Mayo Clinic Laboratories, Mayo Clinic); PubMed 8892729 (cited by Women's Health and Genetics/Laboratory Corporation of America, LabCorp and Mayo Clinic Laboratories, Mayo Clinic); PubMed 9732992 (cited by Women's Health and Genetics/Laboratory Corporation of America, LabCorp and Mayo Clinic Laboratories, Mayo Clinic); PubMed 22995991 (cited by Mayo Clinic Laboratories, Mayo Clinic); PubMed 24805822 (cited by Mayo Clinic Laboratories, Mayo Clinic); PubMed 26105150 (cited by Mayo Clinic Laboratories, Mayo Clinic); PubMed 30215666 (cited by Mayo Clinic Laboratories, Mayo Clinic).